The following is an entry in ClinVar:

NM_213599.3(ANO5):c.2455T>C (p.Tyr819His)

Gene: ANO5 (anoctamin 5; plus strand). Cytogenetic location: 11p14.3.
Variant type: single nucleotide variant.
Coding change: c.2455T>C on transcript NM_213599.3 (MANE Select); coding-DNA position 2455, T replaced by C.
Protein change: p.Tyr819His; replaces tyrosine 819 with histidine.
Molecular consequence: missense variant.
Genome position (GRCh38, 1-based): chr11:22,276,134, T>C. VCF-style: chr11-22276134-T-C. GRCh37 (hg19) VCF-style: chr11-22297680-T-C.
Other names: c.2452T>C, p.Tyr818His (NM_001142649.2); short protein forms Y818H, Y819H.
Identifiers: ClinVar variation 1490144 (VCV001490144.6), dbSNP rs1854838230, ClinGen allele CA379924582.

ClinVar aggregate classification (germline): Uncertain significance (1 of 4 stars; one submission).

Conditions:
Gnathodiaphyseal dysplasia (GDD). Also called: GNATHODIAPHYSEAL SCLEROSIS; OSTEOGENESIS IMPERFECTA WITH UNUSUAL SKELETAL LESIONS. Identifiers: Orphanet 53697, MedGen C1833736, MONDO:0008151, OMIM 166260.
Autosomal recessive limb-girdle muscular dystrophy type 2L (LGMDR12). Also called: Limb-girdle muscular dystrophy, type 2L; MUSCULAR DYSTROPHY, LIMB-GIRDLE, AUTOSOMAL RECESSIVE 12; Limb-Girdle Muscular Dystrophy R12 Anoctamin-5-Related (LGMD-R12). Identifiers: Orphanet 206549, MedGen C1969785, MONDO:0012652, OMIM 611307.

Allele frequency attached by ClinVar (database versions not stated): gnomAD exomes below 0.00001; TOPMed below 0.00001.

Submission:

Labcorp Genetics (formerly Invitae), Labcorp
Classification: Uncertain significance for Autosomal recessive limb-girdle muscular dystrophy type 2L; Gnathodiaphyseal dysplasia. Last evaluated: 2021-10-07. Review status: criteria provided, single submitter. Criteria: Invitae Variant Classification Sherloc (09022015). Collection method: clinical testing. Allele origin: germline.
Comment: This variant has not been reported in the literature in individuals affected with ANO5-related conditions. In summary, the available evidence is currently insufficient to determine the role of this variant in disease. Therefore, it has been classified as a Variant of Uncertain Significance. Advanced modeling of protein sequence and biophysical properties (such as structural, functional, and spatial information, amino acid conservation, physicochemical variation, residue mobility, and thermodynamic stability) performed at Invitae indicates that this missense variant is expected to disrupt ANO5 protein function. This variant is not present in population databases (ExAC no frequency). This sequence change replaces tyrosine with histidine at codon 819 of the ANO5 protein (p.Tyr819His). The tyrosine residue is highly conserved and there is a moderate physicochemical difference between tyrosine and histidine.